The following is an entry in ClinVar:

ClinVar aggregate classification (germline): Uncertain significance (1 of 4 stars; one submission).

Conditions:
Cardiomyopathy (CMYO). Also called: Cardiomyopathies. Identifiers: Orphanet 167848, MedGen C0878544, MONDO:0004994, HP:0001638. Inheritance: Various modes of inheritance.

Submission:

Color Diagnostics, LLC DBA Color Health
Classification: Uncertain significance for Cardiomyopathy. Last evaluated: 2025-09-13. Review status: criteria provided, single submitter. Criteria: ACMG Guidelines, 2015. Collection method: clinical testing. Allele origin: germline.
Comment: This variant causes a G to T nucleotide substitution at +1 position in intron 23 in the DSP gene. To our knowledge, functional studies have not been reported for this variant. This variant has not been reported in individuals affected with DSP-related disorders in the literature. This variant has not been identified in the general population by the Genome Aggregation Database (gnomAD). The available evidence is insufficient to determine the role of this variant in disease conclusively. Therefore, this variant is classified as a Variant of Uncertain Significance.

NM_004415.4(DSP):c.5379+1G>T

Gene: DSP (desmoplakin; plus strand). Cytogenetic location: 6p24.3.
Variant type: single nucleotide variant.
Coding change: c.5379+1G>T on transcript NM_004415.4 (MANE Select); the canonical splice donor site of the intron after coding-DNA position 5379, G replaced by T.
Molecular consequence: splice donor variant. On other transcripts: intron variant (2).
Genome position (GRCh38, 1-based): chr6:7,581,570, G>T. VCF-style: chr6-7581570-G-T. GRCh37 (hg19) VCF-style: chr6-7581803-G-T.
Other names: c.4051-1072G>T (NM_001319034.2); c.3583-1072G>T (NM_001008844.3).
Identifiers: ClinVar variation 4756471 (VCV004756471.1).
Genomic context (GRCh38, chr6:7,581,570, plus strand): 5'-CAGAGAGAGAGGGAAAATTTGAGACAGGAAATTGAGAAATTCCAAAAGCAGGCTTTAGAG[G>T]TATTCACAAATACTTGATCACAGCTTCACTGTTTCTCAAATTATTCATCACATTATTATC-3'